The following is an entry in ClinVar:

ClinVar aggregate classification (germline): Likely benign (1 of 4 stars; one submission).

Allele frequency attached by ClinVar (database versions not stated): TOPMed below 0.00001.

Submission:

GeneDx
Classification: Likely benign. Last evaluated: 2018-04-09. Review status: criteria provided, single submitter. Criteria: GeneDx Variant Classification (06012015). Collection method: clinical testing. Allele origin: germline. Affected: yes.
Comment: This variant is considered likely benign or benign based on one or more of the following criteria: it is a conservative change, it occurs at a poorly conserved position in the protein, it is predicted to be benign by multiple in silico algorithms, and/or has population frequency not consistent with disease.

NM_001267550.2(TTN):c.16661T>G (p.Leu5554Arg)

Gene: TTN (titin; minus strand). Cytogenetic location: 2q31.2.
Variant type: single nucleotide variant.
Coding change: c.16661T>G on transcript NM_001267550.2 (MANE Select); coding-DNA position 16661, T replaced by G.
Protein change: p.Leu5554Arg; replaces leucine 5554 with arginine.
Molecular consequence: missense variant. On other transcripts: intron variant (3).
Genome position (GRCh38, 1-based): chr2:178,732,308, A>C on the plus strand (T>G on the coding strand, the complement: TTN is on the minus strand). VCF-style: chr2-178732308-A-C. GRCh37 (hg19) VCF-style: chr2-179597035-A-C.
Other names: c.15710T>G, p.Leu5237Arg (NM_001256850.1); c.12929T>G, p.Leu4310Arg (NM_133378.4); c.13282+5774T>G (NM_003319.4); c.13858+5774T>G (NM_133437.4); c.13657+5774T>G (NM_133432.3); short protein forms L4310R, L5237R, L5554R.
Identifiers: ClinVar variation 681664 (VCV000681664.1), dbSNP rs1578180987, ClinGen allele CA349580147.